The following is an entry in ClinVar:

NM_138694.4(PKHD1):c.3518del (p.Arg1173fs)

Gene: PKHD1 (PKHD1 ciliary IPT domain containing fibrocystin/polyductin; minus strand). Cytogenetic location: 6p12.2.
Variant type: Deletion.
Coding change: c.3518del on transcript NM_138694.4 (MANE Select); coding-DNA position 3518, one base deleted (G; older notation c.3518delG).
Protein change: p.Arg1173fs; shifts the reading frame from arginine 1173.
Molecular consequence: frameshift variant.
Genome position (GRCh38, 1-based): chr6:52,028,198, C deleted on the plus strand (G on the coding strand, the reverse complement: PKHD1 is on the minus strand). VCF-style (leftmost placement, unchanged base first): chr6-52028197-TC-T. GRCh37 (hg19) VCF-style: chr6-51892995-TC-T.
Other names: c.3518del, p.Arg1173fs (NM_170724.3); c.3518delG (NM_138694.3); short protein forms R1173fs.
Identifiers: ClinVar variation 1179134 (VCV001179134.4), dbSNP rs2128152615, ClinGen allele CA2499218376.

ClinVar aggregate classification (germline): Likely pathogenic. Review status: criteria provided, multiple submitters, no conflicts (2 of 4 stars). 3 submissions from 3 submitters: Likely pathogenic (3). Last evaluated 2025-07-28.

Conditions:
Polycystic kidney disease 4 (PKD4). Also called: POLYCYSTIC KIDNEY DISEASE 4 WITH OR WITHOUT POLYCYSTIC LIVER DISEASE; POLYCYSTIC KIDNEY AND HEPATIC DISEASE 1; POLYCYSTIC KIDNEY DISEASE, INFANTILE, TYPE I; PKD3; Autosomal Recessive Polycystic Kidney Disease – PKHD1. Identifiers: MedGen C4540575, MONDO:0033004, OMIM 263200.
Autosomal recessive polycystic kidney disease (ARPKD). Also called: AR polycystic kidney disease. Identifiers: Orphanet 731, Orphanet 8378, MedGen C0085548, MeSH D017044, MONDO:0009889.

Submissions (3):

Natera, Inc.
Classification: Likely pathogenic for Autosomal recessive polycystic kidney disease. Last evaluated: 2025-07-28. Review status: criteria provided, single submitter. Criteria: Natera Variant Classification Schema (03/2026). Collection method: clinical testing. Allele origin: germline.
Comment: The c.3518delG variant in PKHD1 is a frameshift variant predicted to shift the reading frame beginning at codon 1173 and leads to a stop codon 47 codons downstream. This variant is expected to result in nonsense mediated decay, truncation, or a dysfunctional protein product. This variant is rare in the general population with a frequency below the threshold expected for the associated phenotype(s). Given the available evidence, this variant is classified as Likely Pathogenic.

Baylor Genetics
Classification: Likely pathogenic for Polycystic kidney disease 4. Last evaluated: 2021-12-30. Review status: criteria provided, single submitter. Criteria: ACMG Guidelines, 2015. Collection method: clinical testing. Allele origin: unknown.

Fulgent Genetics
Classification: Likely pathogenic for Polycystic kidney disease 4. Last evaluated: 2021-06-30. Review status: criteria provided, single submitter. Criteria: ACMG Guidelines, 2015. Collection method: clinical testing. Allele origin: unknown.
Comment: This variant has been detected in individual(s) who were sent for testing of Renasight - kidney gene panel.